The following is an entry in ClinVar:

ClinVar aggregate classification (germline): Pathogenic (1 of 4 stars; one submission).

Conditions:
Deficiency of alpha-mannosidase (MANSA). Also called: Mannosidosis, alpha-, types I and II; LYSOSOMAL ALPHA-D-MANNOSIDASE DEFICIENCY; Alpha-Mannosidosis. Identifiers: Orphanet 61, MedGen C0024748, MONDO:0009561, OMIM 248500.

Allele frequency attached by ClinVar (database versions not stated): gnomAD exomes below 0.00001.
gnomAD v4.1: 1 of 1,614,018 alleles (0.000062%); highest among the groups gnomAD compares: Non-Finnish European, 0.000085%; no homozygotes.

Submission:

Labcorp Genetics (formerly Invitae), Labcorp
Classification: Pathogenic for Deficiency of alpha-mannosidase. Last evaluated: 2024-01-30. Review status: criteria provided, single submitter. Criteria: Invitae Variant Classification Sherloc (09022015). Collection method: clinical testing. Allele origin: germline.
Comment: This sequence change creates a premature translational stop signal (p.Trp155*) in the MAN2B1 gene. It is expected to result in an absent or disrupted protein product. Loss-of-function variants in MAN2B1 are known to be pathogenic (PMID: 9915946, 22161967). This variant is not present in population databases (gnomAD no frequency). This variant has not been reported in the literature in individuals affected with MAN2B1-related conditions. For these reasons, this variant has been classified as Pathogenic.

Literature cited by the submitters: PubMed 9915946; PubMed 22161967.

NM_000528.4(MAN2B1):c.465G>A (p.Trp155Ter)

Gene: MAN2B1 (mannosidase alpha class 2B member 1; minus strand). Cytogenetic location: 19p13.13.
Variant type: single nucleotide variant.
Coding change: c.465G>A on transcript NM_000528.4 (MANE Select); coding-DNA position 465, G replaced by A.
Protein change: p.Trp155Ter; replaces tryptophan 155 with a stop codon.
Molecular consequence: nonsense.
Genome position (GRCh38, 1-based): chr19:12,664,957, C>T on the plus strand (G>A on the coding strand, the complement: MAN2B1 is on the minus strand). VCF-style: chr19-12664957-C-T. GRCh37 (hg19) VCF-style: chr19-12775771-C-T.
Other names: c.465G>A, p.Trp155Ter (NM_001173498.2); short protein forms W155*.
Identifiers: ClinVar variation 2791301 (VCV002791301.3), dbSNP rs2512514945, ClinGen allele CA404255352.